The following is an entry in ClinVar:

ClinVar aggregate classification (germline): Benign (1 of 4 stars; one submission).

Allele frequency attached by ClinVar (database versions not stated): 1000 Genomes Project 0.23383.

Submission:

Laboratory for Molecular Medicine, Mass General Brigham Personalized Medicine
Classification: Benign. Last evaluated: 2016-03-28. Review status: criteria provided, single submitter. Criteria: LMM Criteria. Collection method: clinical testing. Allele origin: germline.
Comment: Variant identified in a genome or exome case(s) and assessed due to predicted null impact of the variant or pathogenic assertions in the literature or databases. Disclaimer: This variant has not undergone full assessment. The following are preliminary notes: MAF

NM_001177519.3(MICA):c.947_948dup (p.Ala317fs)

Gene: MICA (MHC class I polypeptide-related sequence A; plus strand). Cytogenetic location: 6p21.33.
Variant type: Insertion.
Coding change: c.947_948dup on transcript NM_001177519.3 (MANE Select); coding-DNA positions 947 to 948, 2 bases duplicated.
Protein change: p.Ala317fs; shifts the reading frame from alanine 317.
Molecular consequence: frameshift variant.
Genome position: GRCh38 VCF-style: chr6-31412384-G-GCT. GRCh37 (hg19) VCF-style: chr6-31380161-G-GCT.
Other names: c.947_948dup, p.Ala317fs (NM_000247.3); c.656_657dup, p.Ala220fs (NM_001289152.2, NM_001289153.2); c.533_534dup, p.Ala179fs (NM_001289154.2); short protein forms A317fs, A179fs, A220fs.
Identifiers: ClinVar variation 403087 (VCV000403087.4), dbSNP rs41293539, ClinGen allele CA3712299.